The following is an entry in ClinVar:

NM_006565.4(CTCF):c.195G>C (p.Gln65His)

Gene: CTCF (CCCTC-binding factor; plus strand). Cytogenetic location: 16q22.1.
Variant type: single nucleotide variant.
Coding change: c.195G>C on transcript NM_006565.4 (MANE Select); coding-DNA position 195, G replaced by C.
Protein change: p.Gln65His; replaces glutamine 65 with histidine.
Molecular consequence: missense variant. On other transcripts: intron variant (1).
Genome position (GRCh38, 1-based): chr16:67,611,027, G>C. VCF-style: chr16-67611027-G-C. GRCh37 (hg19) VCF-style: chr16-67644930-G-C.
Other names: c.195G>C, p.Gln65His (NM_001363916.2, NM_001438968.1, NM_001438969.1); c.-32-5718G>C (NM_001191022.2); short protein forms Q65H.
Identifiers: ClinVar variation 5020791 (VCV005020791.1).
Genomic context (GRCh38, chr16:67,611,027, plus strand): 5'-GGATGGGGGTGAGGTGGTCCAGGATGTCAACAGCAGTGTACAGATGGTGATGATGGAACA[G>C]CTGGACCCCACCCTTCTTCAGATGAAGACTGAAGTAATGGAGGGCACAGTGGCTCCAGAA-3'
Protein context (NP_006556.1, residues 55-75): NSSVQMVMME[Gln65His]LDPTLLQMKT

ClinVar aggregate classification (germline): Uncertain significance (1 of 4 stars; one submission).

gnomAD v4.1: 1 of 1,614,178 alleles (0.000062%); highest among the groups gnomAD compares: African/African-American, 0.0013%; no homozygotes.

Submission:

Dasa
Classification: Uncertain significance. Last evaluated: 2025-11-19. Review status: criteria provided, single submitter. Criteria: DASA Assertion Criteria. Collection method: clinical testing. Allele origin: germline.
Comment: NM_006565.4(CTCF):c.195G>C (p.Gln65His) is a missense variant that results in the substitution of glutamine with histidine. This variant is rare in population databases. Computational prediction algorithms are consistent with a benign effect. The currently available literature and clinical evidence are not sufficient to establish a definitive association between this variant and the reported condition. Therefore, this variant is classified as a variant of uncertain significance.